The following is an entry in ClinVar:

NM_170601.5(SIAE):c.1321-2A>G

Gene: SIAE (sialic acid acetylesterase; minus strand). Cytogenetic location: 11q24.2.
Variant type: single nucleotide variant.
Coding change: c.1321-2A>G on transcript NM_170601.5 (MANE Select); the canonical splice acceptor site of the intron before coding-DNA position 1321, A replaced by G.
Molecular consequence: splice acceptor variant.
Genome position (GRCh38, 1-based): chr11:124,637,204, T>C on the plus strand (A>G on the coding strand, the complement: SIAE is on the minus strand). VCF-style: chr11-124637204-T-C. GRCh37 (hg19) VCF-style: chr11-124507100-T-C.
Other names: c.1216-2A>G (NM_001199922.2).
Identifiers: ClinVar variation 4692873 (VCV004692873.1).
Genomic context (GRCh38, chr11:124,637,204, plus strand): 5'-GAGACGGTGTTCATAGAAGCTGGAAGCCACTTGCATCGATGGTCACTGCAACAGGAGATC[T>C]AATAAGAGAGCCATAAAATAGGAATGATTAGGTCAGAAGGGTCTTCCAAGAAACTGGGCA-3'

ClinVar aggregate classification (germline): Uncertain significance (1 of 4 stars; one submission).

gnomAD v4.1: 26 of 1,614,088 alleles (0.0016%); highest among the groups gnomAD compares: East Asian, 0.056%; no homozygotes.

Submission:

Labcorp Genetics (formerly Invitae), Labcorp
Classification: Uncertain significance. Last evaluated: 2025-10-14. Review status: criteria provided, single submitter. Criteria: Invitae Variant Classification Sherloc (09022015). Collection method: clinical testing. Allele origin: germline.
Comment: This sequence change falls in intron 9 of the SIAE gene. It does not directly change the encoded amino acid sequence of the SIAE protein. It affects a nucleotide within the consensus splice site. This variant is present in population databases (rs201156157, gnomAD 0.04%). This variant has not been reported in the literature in individuals affected with SIAE-related conditions. Variants that disrupt the consensus splice site are a relatively common cause of aberrant splicing (PMID: 17576681, 9536098). Algorithms developed to predict the effect of sequence changes on RNA splicing suggest that this variant may disrupt the consensus splice site. In summary, the available evidence is currently insufficient to determine the role of this variant in disease. Therefore, it has been classified as a Variant of Uncertain Significance.

Literature cited by the submitters: PubMed 17576681; PubMed 9536098.